The following is an entry in ClinVar:

ClinVar aggregate classification (germline): Conflicting classifications of pathogenicity. Review status: criteria provided, conflicting classifications (1 of 4 stars). 4 submissions from 4 submitters: Pathogenic (2); Likely pathogenic (1); Uncertain significance (1). Last evaluated 2026-05-22.

Conditions:
Retinal dystrophy. Also called: Inherited retinal dystrophy. Identifiers: Orphanet 71862, MedGen C0854723, MeSH D058499, MONDO:0019118, HP:0000556.
Retinitis pigmentosa 25 (RP25). Identifiers: Orphanet 791, MedGen C1864446, MONDO:0011272, OMIM 602772.

Submissions (4):

Myriad Genetics, Inc.
Classification: Likely pathogenic for Retinitis pigmentosa 25. Last evaluated: 2026-05-22. Review status: criteria provided, single submitter. Criteria: Myriad Autosomal Dominant, Autosomal Recessive and X-Linked Classification Criteria (2023). Collection method: clinical testing. Allele origin: unknown.
Comment: NM_001142800.1(EYS):c.632G>A(C211Y) is a missense variant classified as likely pathogenic in the context of retinitis pigmentosa, EYS-related. C211Y has been observed in cases with relevant disease (PMID: 40989003, 31213501). Relevant functional assessments of this variant are not available in the literature. C211Y has not been observed in referenced population frequency databases. In summary, NM_001142800.1(EYS):c.632G>A(C211Y) is a missense variant that has been observed more frequently in cases with the relevant disease than in healthy populations. Please note: this variant was assessed in the context of healthy population screening.

Laboratorio de Genetica e Diagnostico Molecular, Hospital Israelita Albert Einstein
Classification: Uncertain significance for Retinitis pigmentosa 25. Last evaluated: 2025-04-04. Review status: criteria provided, single submitter. Criteria: ACMG Guidelines, 2015. Collection method: clinical testing. Allele origin: germline. Affected: yes.
Comment: ACMG classification criteria: PM2 supporting, PM3 supporting

Labcorp Genetics (formerly Invitae), Labcorp
Classification: Pathogenic. Last evaluated: 2024-10-20. Review status: criteria provided, single submitter. Criteria: Invitae Variant Classification Sherloc (09022015). Collection method: clinical testing. Allele origin: germline.
Comment: This sequence change replaces cysteine, which is neutral and slightly polar, with tyrosine, which is neutral and polar, at codon 211 of the EYS protein (p.Cys211Tyr). This variant is not present in population databases (gnomAD no frequency). This missense change has been observed in individuals with retinitis pigmentosa (PMID: 31213501, 31814702). Invitae Evidence Modeling of protein sequence and biophysical properties (such as structural, functional, and spatial information, amino acid conservation, physicochemical variation, residue mobility, and thermodynamic stability) has been performed for this missense variant. However, the output from this modeling did not meet the statistical confidence thresholds required to predict the impact of this variant on EYS protein function. This variant disrupts the p.Cys211 amino acid residue in EYS. Other variant(s) that disrupt this residue have been determined to be pathogenic (internal data). This suggests that this residue is clinically significant, and that variants that disrupt this residue are likely to be disease-causing. For these reasons, this variant has been classified as Pathogenic.

Dept Of Ophthalmology, Nagoya University
Classification: Pathogenic for Retinal dystrophy. Last evaluated: 2023-10-01. Review status: criteria provided, single submitter. Criteria: Submitter's publication. Collection method: research. Allele origin: germline. Affected: yes.

Literature cited by the submitters: PubMed 31213501 (cited by Myriad Genetics, Inc. and Labcorp Genetics (formerly Invitae), Labcorp); PubMed 40989003 (cited by Myriad Genetics, Inc.); PubMed 31814702 (cited by Labcorp Genetics (formerly Invitae), Labcorp).

NM_001142800.2(EYS):c.632G>A (p.Cys211Tyr)

Gene: EYS (EGF-like photoreceptor maintenance factor; minus strand). Cytogenetic location: 6q12.
Variant type: single nucleotide variant.
Coding change: c.632G>A on transcript NM_001142800.2 (MANE Select); coding-DNA position 632, G replaced by A.
Protein change: p.Cys211Tyr; replaces cysteine 211 with tyrosine.
Molecular consequence: missense variant.
Genome position (GRCh38, 1-based): chr6:65,494,779, C>T on the plus strand (G>A on the coding strand, the complement: EYS is on the minus strand). VCF-style: chr6-65494779-C-T. GRCh37 (hg19) VCF-style: chr6-66204672-C-T.
Other names: c.632G>A, p.Cys211Tyr (NM_001142801.2, NM_001292009.2, NM_198283.2); short protein forms C211Y.
Identifiers: ClinVar variation 3027838 (VCV003027838.5), dbSNP rs772707303, ClinGen allele CA364789483.
Genomic context (GRCh38, chr6:65,494,779, plus strand): 5'-TTATTAATGCAACTGCCATTATTTTTACATGGTTTAAAAGAACATGCATCAAGTTCCTGG[C>T]AGTATTTTCCAGAAAATGGAGGCTGGCAATGGCAGCTATATGTCTTGCTCCAAGCTTCAC-3'
Protein context (NP_001136272.1, residues 201-221): HCQPPFSGKY[Cys211Tyr]QELDACSFKP